The following is an entry in ClinVar:

ClinVar aggregate classification (germline): Uncertain significance (1 of 4 stars; one submission).

Allele frequency attached by ClinVar (database versions not stated): ExAC 0.00001; gnomAD 0.00001; gnomAD exomes 0.00001 and 0.00002; TOPMed 0.00001; ESP Exome Variant Server 0.00008.
gnomAD v4.1: 23 of 1,614,024 alleles (0.0014%); highest among the groups gnomAD compares: Middle Eastern, 0.016%; no homozygotes.

Submission:

Labcorp Genetics (formerly Invitae), Labcorp
Classification: Uncertain significance. Last evaluated: 2025-03-03. Review status: criteria provided, single submitter. Criteria: Invitae Variant Classification Sherloc (09022015). Collection method: clinical testing. Allele origin: germline.
Comment: This sequence change replaces arginine, which is basic and polar, with glutamine, which is neutral and polar, at codon 71 of the KANK4 protein (p.Arg71Gln). This variant is present in population databases (rs376267940, gnomAD 0.003%). This variant has not been reported in the literature in individuals affected with KANK4-related conditions. ClinVar contains an entry for this variant (Variation ID: 1374654). An algorithm developed to predict the effect of missense changes on protein structure and function (PolyPhen-2) suggests that this variant is likely to be disruptive. In summary, the available evidence is currently insufficient to determine the role of this variant in disease. Therefore, it has been classified as a Variant of Uncertain Significance.

NM_181712.5(KANK4):c.212G>A (p.Arg71Gln)

Gene: KANK4 (KN motif and ankyrin repeat domains 4; minus strand). Cytogenetic location: 1p31.3.
Variant type: single nucleotide variant.
Coding change: c.212G>A on transcript NM_181712.5 (MANE Select); coding-DNA position 212, G replaced by A.
Protein change: p.Arg71Gln; replaces arginine 71 with glutamine.
Molecular consequence: missense variant. On other transcripts: intron variant (1).
Genome position (GRCh38, 1-based): chr1:62,274,892, C>T on the plus strand (G>A on the coding strand, the complement: KANK4 is on the minus strand). VCF-style: chr1-62274892-C-T. GRCh37 (hg19) VCF-style: chr1-62740564-C-T.
Other names: c.17-3303G>A (NM_001320269.2); short protein forms R71Q.
Identifiers: ClinVar variation 1374654 (VCV001374654.6), dbSNP rs376267940, ClinGen allele CA884620.